The following is an entry in ClinVar:

NM_004360.5(CDH1):c.304G>T (p.Ala102Ser)

Gene: CDH1 (cadherin 1; plus strand). Cytogenetic location: 16q22.1.
Variant type: single nucleotide variant.
Coding change: c.304G>T on transcript NM_004360.5 (MANE Select); coding-DNA position 304, G replaced by T.
Protein change: p.Ala102Ser; replaces alanine 102 with serine.
Molecular consequence: missense variant. On other transcripts: 5 prime UTR variant (2).
Genome position (GRCh38, 1-based): chr16:68,801,810, G>T. VCF-style: chr16-68801810-G-T. GRCh37 (hg19) VCF-style: chr16-68835713-G-T.
Other names: c.304G>T (LRG_301t1); c.304G>T, p.Ala102Ser (NM_001317184.2); c.-1312G>T (NM_001317185.2); c.-1516G>T (NM_001317186.2); short protein forms A102S.
Identifiers: ClinVar variation 187729 (VCV000187729.23), dbSNP rs368492235, ClinGen allele CA198423.
Genomic context (GRCh38, chr16:68,801,810, plus strand): 5'-GTGATTACAGTCAAAAGGCCTCTACGGTTTCATAACCCACAGATCCATTTCTTGGTCTAC[G>T]CCTGGGACTCCACCTACAGAAAGTTTTCCACCAAAGTCACGCTGAATACAGTGGGGCACC-3'
Protein context (NP_004351.1, residues 92-112): HNPQIHFLVY[Ala102Ser]WDSTYRKFST

ClinVar aggregate classification (germline): Conflicting classifications of pathogenicity. Review status: criteria provided, conflicting classifications (1 of 4 stars). 7 submissions from 7 submitters: Uncertain significance (6); Likely benign (1). Last evaluated 2025-10-09.

Conditions:
Hereditary cancer-predisposing syndrome. Also called: Hereditary Cancer Syndrome; Neoplastic Syndromes, Hereditary; Tumor predisposition; Hereditary neoplastic syndrome. Identifiers: Orphanet 140162, MedGen C0027672, MeSH D009386, MONDO:0015356.
Hereditary diffuse gastric adenocarcinoma (HDGC). Also called: DIFFUSE GASTRIC AND LOBULAR BREAST CANCER SYNDROME. Identifiers: Orphanet 26106, MedGen C1708349, MONDO:0007648, OMIM 137215.
Familial cancer of breast. Also called: BREAST CANCER, FAMILIAL; Hereditary breast cancer; hereditary breast carcinoma. Identifiers: Orphanet 227535, MedGen C0346153, MONDO:0016419, OMIM 114480. Disease mechanism: loss of function.

gnomAD v4.1: 4 of 1,614,174 alleles (0.00025%); highest among the groups gnomAD compares: Non-Finnish European, 0.00034%; no homozygotes.

Submissions (7):

Labcorp Genetics (formerly Invitae), Labcorp
Classification: Uncertain significance for Hereditary diffuse gastric adenocarcinoma. Last evaluated: 2025-10-09. Review status: criteria provided, single submitter. Criteria: Invitae Variant Classification Sherloc (09022015). Collection method: clinical testing. Allele origin: germline.
Comment: This sequence change replaces alanine, which is neutral and non-polar, with serine, which is neutral and polar, at codon 102 of the CDH1 protein (p.Ala102Ser). This variant is present in population databases (rs368492235, gnomAD 0.002%). This variant has not been reported in the literature in individuals affected with CDH1-related conditions. ClinVar contains an entry for this variant (Variation ID: 187729). An algorithm developed to predict the effect of missense changes on protein structure and function outputs the following: PolyPhen-2: "Benign". The serine amino acid residue is found in multiple mammalian species, which suggests that this missense change does not adversely affect protein function. In summary, the available evidence is currently insufficient to determine the role of this variant in disease. Therefore, it has been classified as a Variant of Uncertain Significance.

Ambry Genetics
Classification: Likely benign for Hereditary cancer-predisposing syndrome. Last evaluated: 2025-05-29. Review status: criteria provided, single submitter. Criteria: Ambry Variant Classification Scheme 2023. Collection method: clinical testing. Allele origin: germline.

Baylor Genetics
Classification: Uncertain significance for Familial cancer of breast. Last evaluated: 2023-10-09. Review status: criteria provided, single submitter. Criteria: ACMG Guidelines, 2015. Collection method: clinical testing. Allele origin: unknown.

Color Diagnostics, LLC DBA Color Health
Classification: Uncertain significance for Hereditary cancer-predisposing syndrome. Last evaluated: 2022-11-01. Review status: criteria provided, single submitter. Criteria: ACMG Guidelines, 2015. Collection method: clinical testing. Allele origin: germline.
Comment: This missense variant replaces alanine with serine at codon 102 of the CDH1 protein. To our knowledge, functional studies have not been reported for this variant. This variant has not been reported in individuals affected with hereditary cancer in the literature. This variant has been identified in 2/251274 chromosomes in the general population by the Genome Aggregation Database (gnomAD). The available evidence is insufficient to determine the role of this variant in disease conclusively. Therefore, this variant is classified as a Variant of Uncertain Significance.

Institute for Clinical Genetics, University Hospital TU Dresden, University Hospital TU Dresden
Classification: Uncertain significance. Last evaluated: 2021-07-20. Review status: criteria provided, single submitter. Criteria: ACMG Guidelines, 2015. Collection method: clinical testing. Allele origin: germline.
Comment: PM2_SUP

Genetic Services Laboratory, University of Chicago
Classification: Uncertain significance. Last evaluated: 2019-02-18. Review status: criteria provided, single submitter. Criteria: ACMG Guidelines, 2015. Collection method: clinical testing. Allele origin: germline. Affected: no.

GeneDx
Classification: Uncertain significance. Last evaluated: 2015-08-07. Review status: criteria provided, single submitter. Criteria: GeneDx Variant Classification (06012015). Collection method: clinical testing. Allele origin: germline. Affected: yes.
Comment: This variant is denoted CDH1 c.304G>T at the cDNA level, p.Ala102Ser (A102S) at the protein level, and results in the change of an Alanine to a Serine (GCC>TCC). This variant has not, to our knowledge, been published in the literature as pathogenic or benign. CDH1 Ala102Ser was not observed in approximately 6,500 individuals of European and African American ancestry in the NHLBI Exome Sequencing Project, indicating it is not a common benign variant in these populations. Since Alanine and Serine differ in polarity, charge, size or other properties, this is considered a non-conservative amino acid substitution. CDH1 Ala102Ser occurs at a position that is not conserved and is not located in a known functional domain (UniProt). In silico analyses are inconsistent regarding the effect this variant may have on protein structure and function. Based on currently available information, it is unclear whether CDH1 Ala102Ser is pathogenic or benign. We consider it to be a variant of uncertain significance.